The following is an entry in ClinVar:

NM_000742.4(CHRNA2):c.432C>A (p.Asp144Glu)

Gene: CHRNA2 (cholinergic receptor nicotinic alpha 2 subunit; minus strand). Cytogenetic location: 8p21.2.
Variant type: single nucleotide variant.
Coding change: c.432C>A on transcript NM_000742.4 (MANE Select); coding-DNA position 432, C replaced by A.
Protein change: p.Asp144Glu; replaces aspartic acid 144 with glutamic acid.
Molecular consequence: missense variant. On other transcripts: 5 prime UTR variant (4).
Genome position (GRCh38, 1-based): chr8:27,467,246, G>T on the plus strand (C>A on the coding strand, the complement: CHRNA2 is on the minus strand). VCF-style: chr8-27467246-G-T. GRCh37 (hg19) VCF-style: chr8-27324763-G-T.
Other names: p.D144E:GAC>GAA; c.387C>A, p.Asp129Glu (NM_001282455.2); c.-41C>A (NM_001347705.2, NM_001347706.2); c.-27C>A (NM_001347707.2); c.-30C>A (NM_001347708.2); short protein forms D144E, D129E.
Identifiers: ClinVar variation 204958 (VCV000204958.9), dbSNP rs796052297, ClinGen allele CA313438.
Genomic context (GRCh38, chr8:27,467,246, plus strand): 5'-GTTGGCCTCCCCTCATCCCCCCAGGACCCCAATGGCTTCCTACTTGTTGTAGAGAACAAT[G>T]TCGGGGATCCAGATCATCTCAGAAGGGACCCTGAGAGATGTGATGTTGCCAAAATCAGTG-3'
Protein context (NP_000733.2, residues 134-154): RVPSEMIWIP[Asp144Glu]IVLYNNADGE

ClinVar aggregate classification (germline): Uncertain significance. Review status: criteria provided, multiple submitters, no conflicts (2 of 4 stars). 2 submissions from 2 submitters: Uncertain significance (2). Last evaluated 2024-09-15.

Conditions:
Familial sleep-related hypermotor epilepsy. Also called: Autosomal Dominant Sleep-Related Hypermotor (Hyperkinetic) Epilepsy. Identifiers: Orphanet 98784, MedGen C3696898, MONDO:0000030.

Allele frequency attached by ClinVar (database versions not stated): gnomAD 0.00001 and 0.00002; gnomAD exomes below 0.00001; TOPMed 0.00002.
gnomAD v4.1: 3 of 1,613,316 alleles (0.00019%); highest among the groups gnomAD compares: African/African-American, 0.004%; no homozygotes.

Submissions (2):

Labcorp Genetics (formerly Invitae), Labcorp
Classification: Uncertain significance. Last evaluated: 2024-09-15. Review status: criteria provided, single submitter. Criteria: Invitae Variant Classification Sherloc (09022015). Collection method: clinical testing. Allele origin: germline.
Comment: This sequence change replaces aspartic acid, which is acidic and polar, with glutamic acid, which is acidic and polar, at codon 144 of the CHRNA2 protein (p.Asp144Glu). This variant is present in population databases (rs796052297, gnomAD 0.007%). This variant has not been reported in the literature in individuals affected with CHRNA2-related conditions. ClinVar contains an entry for this variant (Variation ID: 204958). Invitae Evidence Modeling of protein sequence and biophysical properties (such as structural, functional, and spatial information, amino acid conservation, physicochemical variation, residue mobility, and thermodynamic stability) has been performed for this missense variant. However, the output from this modeling did not meet the statistical confidence thresholds required to predict the impact of this variant on CHRNA2 protein function. In summary, the available evidence is currently insufficient to determine the role of this variant in disease. Therefore, it has been classified as a Variant of Uncertain Significance.

GeneDx
Classification: Uncertain significance. Last evaluated: 2013-07-19. Review status: criteria provided, single submitter. Criteria: GeneDx Variant Classification (06012015). Collection method: clinical testing. Allele origin: germline. Affected: yes.
Comment: p.Asp144Glu (GAC>GAA): c.432 C>A in exon 5 of the CHRNA2 gene (NM_000742.3). The Asp144Glu missense change has not been published as a mutation, nor has it been reported as a benign polymorphism to our knowledge. It was not observed in approximately 6,500 individuals of European and African American ancestry in the NHLBI Exome Sequencing Project, indicating it is not a common benign variant in these populations. This variant is a conservative substitution of one negatively charged amino acid for another at a position that is highly conserved across species. In silico analysis predicts this variant is probably damaging to the protein structure/function. However, this amino acid substitution does not occur within the transmembrane region of the protein, where pathogenic missense mutations have been identified in association with epilepsy (Steinlein et al., 2010). Therefore, based on the currently available information, it is unclear whether Asp144Glu is a disease-causing mutation or a rare benign variant. The variant is found in EPILEPSY panel(s).